The following is an entry in ClinVar:

ClinVar aggregate classification (germline): Uncertain significance (1 of 4 stars; one submission).

Conditions:
Hereditary cancer-predisposing syndrome. Also called: Tumor predisposition; Hereditary Cancer Syndrome; Neoplastic Syndromes, Hereditary; Hereditary neoplastic syndrome. Identifiers: Orphanet 140162, MedGen C0027672, MeSH D009386, MONDO:0015356.

Submission:

Ambry Genetics
Classification: Uncertain significance for Hereditary cancer-predisposing syndrome. Last evaluated: 2015-05-30. Review status: criteria provided, single submitter. Criteria: Ambry Variant Classification Scheme 2023. Collection method: clinical testing. Allele origin: germline.
Comment: The p.I859M variant (also known as c.2577T>G), located in coding exon 15 of the PMS2 gene, results from a T to G substitution at nucleotide position 2577. The isoleucine at codon 859 is replaced by methionine, an amino acid with highly similar properties. This variant was not reported in population based cohorts in the following databases: Database of Single Nucleotide Polymorphisms (dbSNP), NHLBI Exome Sequencing Project (ESP), and 1000 Genomes Project. In the ESP, this variant was not observed in 6057 samples (12114 alleles) with coverage at this position. To date, this alteration has been detected with an allele frequency of approximately 0.002% (greater than 65000 alleles tested) in our clinical cohort. This amino acid position is well conserved in available vertebrate species. In addition, this alteration is predicted to be tolerated by in silico analysis. Since supporting evidence is limited at this time, the clinical significance of p.I859M remains unclear.

NM_000535.7(PMS2):c.2577T>G (p.Ile859Met)

Gene: PMS2 (PMS1 homolog 2, mismatch repair system component; minus strand). Cytogenetic location: 7p22.1.
Variant type: single nucleotide variant.
Coding change: c.2577T>G on transcript NM_000535.7 (MANE Select); coding-DNA position 2577, T replaced by G.
Protein change: p.Ile859Met; replaces isoleucine 859 with methionine.
Molecular consequence: missense variant. On other transcripts: non-coding transcript variant (1).
Genome position (GRCh38, 1-based): chr7:5,973,411, A>C on the plus strand (T>G on the coding strand, the complement: PMS2 is on the minus strand). VCF-style: chr7-5973411-A-C. GRCh37 (hg19) VCF-style: chr7-6013042-A-C.
Other names: c.2172T>G, p.Ile724Met (NM_001018040.1, NM_001322003.2, NM_001322004.2 and 12 more transcripts); c.2421T>G, p.Ile807Met (NM_001322006.2); c.2259T>G, p.Ile753Met (NM_001322007.2, NM_001322008.2, NM_001406883.1); c.2205T>G, p.Ile735Met (NM_001322009.2, NM_001406887.1, NM_001406888.1); c.2016T>G, p.Ile672Met (NM_001322010.2, NM_001406906.1, NM_001406907.1); c.1644T>G, p.Ile548Met (NM_001322011.2, NM_001322012.2); c.2004T>G, p.Ile668Met (NM_001322013.2, NM_001406908.1, NM_001406909.1); c.2610T>G, p.Ile870Met (NM_001322014.2); and 20 more; short protein forms I548M, I602M, I668M, I701M, I704M, I724M, I753M, I823M.
Identifiers: ClinVar variation 1793327 (VCV001793327.2), dbSNP rs2535175979, ClinGen allele CA366734725.